The following is an entry in ClinVar:

NM_000384.3(APOB):c.5887G>A (p.Ala1963Thr)

Gene: APOB (apolipoprotein B; minus strand). Cytogenetic location: 2p24.1.
Variant type: single nucleotide variant.
Coding change: c.5887G>A on transcript NM_000384.3 (MANE Select); coding-DNA position 5887, G replaced by A.
Protein change: p.Ala1963Thr; replaces alanine 1963 with threonine.
Molecular consequence: missense variant.
Genome position (GRCh38, 1-based): chr2:21,010,981, C>T on the plus strand (G>A on the coding strand, the complement: APOB is on the minus strand). VCF-style: chr2-21010981-C-T. GRCh37 (hg19) VCF-style: chr2-21233853-C-T.
Other names: short protein forms A1963T.
Identifiers: ClinVar variation 5027284 (VCV005027284.1).

ClinVar aggregate classification (germline): Uncertain significance (1 of 4 stars; one submission).

Conditions:
Cardiovascular phenotype. Identifiers: MedGen CN230736.

gnomAD v4.1: 3 of 1,614,176 alleles (0.00019%); highest among the groups gnomAD compares: Non-Finnish European, 0.00025%; no homozygotes.

Submission:

Ambry Genetics
Classification: Uncertain significance for Cardiovascular phenotype. Last evaluated: 2026-07-02. Review status: criteria provided, single submitter. Criteria: Ambry Variant Classification Scheme 2023. Collection method: clinical testing. Allele origin: germline.
Comment: The p.A1963T variant (also known as c.5887G>A), located in coding exon 26 of the APOB gene, results from a G to A substitution at nucleotide position 5887. The alanine at codon 1963 is replaced by threonine, an amino acid with similar properties. This amino acid position is conserved. In addition, this alteration is predicted to be tolerated by in silico analysis. Based on the available evidence, the clinical significance of this variant remains unclear.